The following is an entry in ClinVar:

ClinVar aggregate classification (germline): Uncertain significance. Review status: criteria provided, multiple submitters, no conflicts (2 of 4 stars). 2 submissions from 2 submitters: Uncertain significance (2). Last evaluated 2024-06-24.

Conditions:
Primary ciliary dyskinesia. Also called: Ciliary dyskinesia. Identifiers: Orphanet 244, MedGen C0008780, MONDO:0016575, HP:0012265.

gnomAD v4.1: 2 of 1,613,326 alleles (0.00012%); highest among the groups gnomAD compares: African/African-American, 0.0013%; no homozygotes.

Submissions (2):

Labcorp Genetics (formerly Invitae), Labcorp
Classification: Uncertain significance for Primary ciliary dyskinesia. Last evaluated: 2024-06-24. Review status: criteria provided, single submitter. Criteria: Invitae Variant Classification Sherloc (09022015). Collection method: clinical testing. Allele origin: germline.
Comment: This sequence change affects codon 3240 of the DNAH5 mRNA. It is a 'silent' change, meaning that it does not change the encoded amino acid sequence of the DNAH5 protein. This variant also falls at the last nucleotide of exon 57, which is part of the consensus splice site for this exon. This variant is not present in population databases (gnomAD no frequency). This variant has not been reported in the literature in individuals affected with DNAH5-related conditions. ClinVar contains an entry for this variant (Variation ID: 1767986). An algorithm developed to predict the effect of missense changes on protein structure and function (PolyPhen-2) suggests that this variant is likely to be tolerated. Variants that disrupt the consensus splice site are a relatively common cause of aberrant splicing (PMID: 17576681, 9536098). Algorithms developed to predict the effect of sequence changes on RNA splicing suggest that this variant may disrupt the consensus splice site. In summary, the available evidence is currently insufficient to determine the role of this variant in disease. Therefore, it has been classified as a Variant of Uncertain Significance.

Ambry Genetics
Classification: Uncertain significance for Primary ciliary dyskinesia. Last evaluated: 2022-09-22. Review status: criteria provided, single submitter. Criteria: Ambry Variant Classification Scheme 2023. Collection method: clinical testing. Allele origin: germline.
Comment: The c.9720G>T variant (also known as p.M3240I), located in coding exon 57 of the DNAH5 gene, results from a G to T substitution at nucleotide position 9720. The amino acid change results in methionine to isoleucine at codon 3240, an amino acid with highly similar properties. However, this change occurs in the last base pair of coding exon 57, which makes it likely to have some effect on normal mRNA splicing. This nucleotide position is well conserved in available vertebrate species. This amino acid position is poorly conserved in available vertebrate species. In silico splice site analysis predicts that this alteration will weaken the native splice donor site and will result in the creation or strengthening of a novel splice donor site. In addition, as a missense substitution this is predicted to be tolerated by in silico analysis. Since supporting evidence is limited at this time, the clinical significance of this alteration remains unclear.

Literature cited by the submitters: PubMed 17576681 (cited by Labcorp Genetics (formerly Invitae), Labcorp); PubMed 9536098 (cited by Labcorp Genetics (formerly Invitae), Labcorp).

NM_001369.3(DNAH5):c.9720G>T (p.Met3240Ile)

Gene: DNAH5 (dynein axonemal heavy chain 5; minus strand). Cytogenetic location: 5p15.2.
Variant type: single nucleotide variant.
Coding change: c.9720G>T on transcript NM_001369.3 (MANE Select); coding-DNA position 9720, G replaced by T.
Protein change: p.Met3240Ile; replaces methionine 3240 with isoleucine.
Molecular consequence: missense variant.
Genome position (GRCh38, 1-based): chr5:13,769,501, C>A on the plus strand (G>T on the coding strand, the complement: DNAH5 is on the minus strand). VCF-style: chr5-13769501-C-A. GRCh37 (hg19) VCF-style: chr5-13769610-C-A.
Other names: short protein forms M3240I.
Identifiers: ClinVar variation 1767986 (VCV001767986.5), dbSNP rs2546658536, ClinGen allele CA359202691.